The following is an entry in ClinVar:

NM_003119.4(SPG7):c.1936+2T>A

Gene: SPG7 (SPG7 matrix AAA peptidase subunit, paraplegin; plus strand). Cytogenetic location: 16q24.3.
Variant type: single nucleotide variant.
Coding change: c.1936+2T>A on transcript NM_003119.4 (MANE Select); the canonical splice donor site of the intron after coding-DNA position 1936, T replaced by A.
Molecular consequence: splice donor variant.
Genome position (GRCh38, 1-based): chr16:89,553,137, T>A. VCF-style: chr16-89553137-T-A. GRCh37 (hg19) VCF-style: chr16-89619545-T-A.
Other names: c.1936+2T>A (NM_001363850.1).
Identifiers: ClinVar variation 1325120 (VCV001325120.7), dbSNP rs1567933730, ClinGen allele CA397433019.

ClinVar aggregate classification (germline): Likely pathogenic. Review status: criteria provided, multiple submitters, no conflicts (2 of 4 stars). 2 submissions from 2 submitters: Likely pathogenic (2). Last evaluated 2023-04-06.

Conditions:
Hereditary spastic paraplegia 7 (SPG7). Also called: Spastic paraplegia 7; Hereditary spastic paraplegia Paraplegin type; SPASTIC PARAPLEGIA 7, AUTOSOMAL RECESSIVE, WITH OR WITHOUT CEREBELLAR ATAXIA; Autosomal recessive spastic paraplegia type 7; SPG7-related neurologic disorder. Identifiers: Orphanet 99013, MedGen C1846564, MONDO:0011803, OMIM 607259.

Allele frequency attached by ClinVar (database versions not stated): gnomAD exomes below 0.00001.
gnomAD v4.1: 1 of 1,603,772 alleles (0.000062%); highest among the groups gnomAD compares: Non-Finnish European, 0.000085%; no homozygotes.

Submissions (2):

Labcorp Genetics (formerly Invitae), Labcorp
Classification: Likely pathogenic for Hereditary spastic paraplegia 7. Last evaluated: 2023-04-06. Review status: criteria provided, single submitter. Criteria: Invitae Variant Classification Sherloc (09022015). Collection method: clinical testing. Allele origin: germline.
Comment: This sequence change affects a donor splice site in intron 14 of the SPG7 gene. It is expected to disrupt RNA splicing. Variants that disrupt the donor or acceptor splice site typically lead to a loss of protein function (PMID: 16199547), and loss-of-function variants in SPG7 are known to be pathogenic (PMID: 21623769, 22964162). This variant is present in population databases (no rsID available, gnomAD 0.001%). This variant has not been reported in the literature in individuals affected with SPG7-related conditions. ClinVar contains an entry for this variant (Variation ID: 1325120). Algorithms developed to predict the effect of sequence changes on RNA splicing suggest that this variant may disrupt the consensus splice site. In summary, the currently available evidence indicates that the variant is pathogenic, but additional data are needed to prove that conclusively. Therefore, this variant has been classified as Likely Pathogenic.

Revvity Omics, Revvity
Classification: Likely pathogenic for Hereditary spastic paraplegia 7. Last evaluated: 2019-03-07. Review status: criteria provided, single submitter. Criteria: ACMG Guidelines, 2015. Collection method: clinical testing. Allele origin: germline.

Literature cited by the submitters: PubMed 16199547 (cited by Labcorp Genetics (formerly Invitae), Labcorp); PubMed 21623769 (cited by Labcorp Genetics (formerly Invitae), Labcorp); PubMed 22964162 (cited by Labcorp Genetics (formerly Invitae), Labcorp).